The following is an entry in ClinVar:

NM_000501.4(ELN):c.1786+306G>A

Genes: ELN (elastin; plus strand), ELN-AS1 (ELN antisense RNA 1; minus strand). Cytogenetic location: 7q11.23.
Variant type: single nucleotide variant.
Coding change: c.1786+306G>A on transcript NM_000501.4 (MANE Select); 306 bases into the intron after coding-DNA position 1786, G replaced by A.
Molecular consequence: intron variant.
Genome position (GRCh38, 1-based): chr7:74,061,445, G>A. VCF-style: chr7-74061445-G-A. GRCh37 (hg19) VCF-style: chr7-73475775-G-A.
Other names: c.1801+306G>A (NM_001081754.3); c.1744+306G>A (NM_001081753.3); c.1972+306G>A (NM_001278939.2); c.1804+306G>A (NM_001278915.2); c.1786+306G>A (NM_001278912.2); c.1729+306G>A (NM_001081755.3); c.1642+306G>A (NM_001278916.2); c.1543+306G>A (NM_001278913.2); and 4 more.
Identifiers: ClinVar variation 683509 (VCV000683509.1), dbSNP rs12535378, ClinGen allele CA12686925.

ClinVar aggregate classification (germline): Benign (1 of 4 stars; one submission).

Allele frequency attached by ClinVar (database versions not stated): 1000 Genomes Project 0.13399; 1000 Genomes Project 30x 0.13788; TOPMed 0.16913; gnomAD 0.16987 and 0.17308.
gnomAD v4.1: 24,750 of 146,088 alleles (17%); highest among the groups gnomAD compares: African/African-American, 25%; 2,341 homozygotes.

Submission:

GeneDx
Classification: Benign. Last evaluated: 2018-06-14. Review status: criteria provided, single submitter. Criteria: GeneDx Variant Classification (06012015). Collection method: clinical testing. Allele origin: germline. Affected: yes.
Comment: This variant is considered likely benign or benign based on one or more of the following criteria: it is a conservative change, it occurs at a poorly conserved position in the protein, it is predicted to be benign by multiple in silico algorithms, and/or has population frequency not consistent with disease.